The following is an entry in ClinVar:

ClinVar aggregate classification (germline): Benign/Likely benign. Review status: criteria provided, multiple submitters, no conflicts (2 of 4 stars). 3 submissions from 3 submitters: Benign (1); Likely benign (2). Last evaluated 2025-08-17.

Conditions:
Hereditary cancer-predisposing syndrome. Also called: Hereditary neoplastic syndrome; Neoplastic Syndromes, Hereditary; Tumor predisposition; Hereditary Cancer Syndrome. Identifiers: Orphanet 140162, MedGen C0027672, MeSH D009386, MONDO:0015356.
Fanconi anemia complementation group J. Also called: BRIP1-Related Fanconi Anemia. Identifiers: Orphanet 84, MedGen C1836860, MONDO:0012187, OMIM 609054.
Familial cancer of breast. Also called: BREAST CANCER, FAMILIAL; hereditary breast carcinoma; Hereditary breast cancer. Identifiers: Orphanet 227535, MedGen C0346153, MONDO:0016419, OMIM 114480. Disease mechanism: loss of function.

Submissions (3):

Labcorp Genetics (formerly Invitae), Labcorp
Classification: Likely benign for Familial cancer of breast; Fanconi anemia complementation group J. Last evaluated: 2025-08-17. Review status: criteria provided, single submitter. Criteria: Invitae Variant Classification Sherloc (09022015). Collection method: clinical testing. Allele origin: germline.

Myriad Genetics, Inc.
Classification: Benign for Familial cancer of breast. Last evaluated: 2024-09-09. Review status: criteria provided, single submitter. Criteria: Myriad Autosomal Dominant, Autosomal Recessive and X-Linked Classification Criteria (2023). Collection method: clinical testing. Allele origin: unknown.
Comment: This variant is considered benign. This variant is a silent/synonymous amino acid change and it is not expected to impact splicing.

Ambry Genetics
Classification: Likely benign for Hereditary cancer-predisposing syndrome. Last evaluated: 2024-03-06. Review status: criteria provided, single submitter. Criteria: Ambry Variant Classification Scheme 2023. Collection method: clinical testing. Allele origin: germline.

NM_032043.3(BRIP1):c.3075A>G (p.Ser1025=)

Gene: BRIP1 (BRCA1 interacting DNA helicase 1; minus strand). Cytogenetic location: 17q23.2.
Variant type: single nucleotide variant.
Coding change: c.3075A>G on transcript NM_032043.3 (MANE Select); coding-DNA position 3075, A replaced by G.
Protein change: p.Ser1025=; no amino-acid change (serine 1025 retained).
Molecular consequence: synonymous variant.
Genome position (GRCh38, 1-based): chr17:61,683,971, T>C on the plus strand (A>G on the coding strand, the complement: BRIP1 is on the minus strand). VCF-style: chr17-61683971-T-C. GRCh37 (hg19) VCF-style: chr17-59761332-T-C.
Identifiers: ClinVar variation 461135 (VCV000461135.14), dbSNP rs1060504319, ClinGen allele CA501335469.